The following is an entry in ClinVar:

NM_001363540.2(DOCK4):c.5658G>A (p.Pro1886=)

Gene: DOCK4 (dedicator of cytokinesis 4; minus strand). Cytogenetic location: 7q31.1.
Variant type: single nucleotide variant.
Coding change: c.5658G>A on transcript NM_001363540.2 (MANE Select); coding-DNA position 5658, G replaced by A.
Protein change: p.Pro1886=; no amino-acid change (proline 1886 retained).
Molecular consequence: synonymous variant.
Genome position (GRCh38, 1-based): chr7:111,728,544, C>T on the plus strand (G>A on the coding strand, the complement: DOCK4 is on the minus strand). VCF-style: chr7-111728544-C-T. GRCh37 (hg19) VCF-style: chr7-111368600-C-T.
Other names: c.5631G>A, p.Pro1877= (NM_014705.4).
Identifiers: ClinVar variation 3771051 (VCV003771051.13).

ClinVar aggregate classification (germline): Likely benign (1 of 4 stars; one submission).

gnomAD v4.1: 131 of 1,613,728 alleles (0.0081%); highest among the groups gnomAD compares: South Asian, 0.093%; no homozygotes.

Submission:

CeGaT Center for Human Genetics Tuebingen
Classification: Likely benign. Last evaluated: 2025-01-01. Review status: criteria provided, single submitter. Criteria: CeGaT Center For Human Genetics Tuebingen Variant Classification Criteria Version 2. Collection method: clinical testing. Allele origin: germline. Affected: yes. Observed: 1 variant allele.
Comment: DOCK4: BP4, BP7